The following is an entry in ClinVar:

ClinVar aggregate classification (germline): Uncertain significance (1 of 4 stars; one submission).

Conditions:
CASR-related disorder. Also called: CASR-related condition.

Submission:

PreventionGenetics, part of Exact Sciences
Classification: Uncertain significance for CASR-related condition. Last evaluated: 2026-05-05. Review status: criteria provided, single submitter. Criteria: ACMG Guidelines, 2015. Collection method: clinical testing. Allele origin: germline.
Comment: The CASR c.521T>A variant is predicted to result in the amino acid substitution p.Leu174His. To our knowledge, this variant has not been reported in the literature or in a large population database (gnomAD), indicating this variant is rare. An alternate missense change at the same amino acid position (p.Leu174Arg) has been reported in individuals with familial hypocalciuric hypercalcemia (Ward et al. 1997. PubMed ID: 9298824). At this time, the clinical significance of the p.Leu174His variant is uncertain due to the absence of conclusive functional and genetic evidence.

NM_000388.4(CASR):c.521T>A (p.Leu174His)

Gene: CASR (calcium sensing receptor; plus strand). Cytogenetic location: 3q21.1.
Variant type: single nucleotide variant.
Coding change: c.521T>A on transcript NM_000388.4 (MANE Select); coding-DNA position 521, T replaced by A.
Protein change: p.Leu174His; replaces leucine 174 with histidine.
Molecular consequence: missense variant.
Genome position (GRCh38, 1-based): chr3:122,261,556, T>A. VCF-style: chr3-122261556-T-A. GRCh37 (hg19) VCF-style: chr3-121980403-T-A.
Other names: c.521T>A, p.Leu174His (NM_001178065.2); short protein forms L174H.
Identifiers: ClinVar variation 4994785 (VCV004994785.1).
Genomic context (GRCh38, chr3:122,261,556, plus strand): 5'-CACTCATTCACCATGTTCTTGGTTCTCTCCAGGTCAGTTATGCCTCCTCCAGCAGACTCC[T>A]CAGCAACAAGAATCAATTCAAGTCTTTCCTCCGAACCATCCCCAATGATGAGCACCAGGC-3'
Protein context (NP_000379.3, residues 164-184): QVSYASSSRL[Leu174His]SNKNQFKSFL